The following is an entry in ClinVar:

ClinVar aggregate classification (germline): Uncertain significance. Review status: criteria provided, multiple submitters, no conflicts (2 of 4 stars). 3 submissions from 3 submitters: Uncertain significance (3). Last evaluated 2024-12-20.

Conditions:
Inborn genetic diseases. Identifiers: MedGen C0950123, MeSH D030342.
Intellectual disability, autosomal recessive 42 (NEDDSBA). Also called: Neurodevelopmental disorder with dysmorphic features, spasticity, and brain abnormalities; GLYCOSYLPHOSPHATIDYLINOSITOL BIOSYNTHESIS DEFECT 9. Identifiers: Orphanet 88616, MedGen C4014343, MONDO:0014348, OMIM 615802.
Neurodevelopmental disorder. Identifiers: MedGen C1535926, MeSH D065886, MONDO:0700092.

Allele frequency attached by ClinVar (database versions not stated): gnomAD 0.00003; TOPMed 0.00003; ExAC 0.00006.

Submissions (3):

Ambry Genetics
Classification: Uncertain significance for Inborn genetic diseases. Last evaluated: 2024-12-20. Review status: criteria provided, single submitter. Criteria: Ambry Variant Classification Scheme 2023. Collection method: clinical testing. Allele origin: germline.

Laboratory of Molecular Genetics (Pr. Bezieau's lab), CHU de Nantes
Classification: Uncertain significance for Neurodevelopmental disorder. Last evaluated: 2023-03-27. Review status: criteria provided, single submitter. Criteria: ACMG Guidelines, 2015. Collection method: clinical testing. Allele origin: germline. Affected: yes.

Labcorp Genetics (formerly Invitae), Labcorp
Classification: Uncertain significance for Intellectual disability, autosomal recessive 42. Last evaluated: 2022-10-13. Review status: criteria provided, single submitter. Criteria: Invitae Variant Classification Sherloc (09022015). Collection method: clinical testing. Allele origin: germline.
Comment: This sequence change replaces threonine, which is neutral and polar, with methionine, which is neutral and non-polar, at codon 569 of the PGAP1 protein (p.Thr569Met). This variant is present in population databases (rs762049431, gnomAD 0.009%). This variant has not been reported in the literature in individuals affected with PGAP1-related conditions. Advanced modeling of protein sequence and biophysical properties (such as structural, functional, and spatial information, amino acid conservation, physicochemical variation, residue mobility, and thermodynamic stability) performed at Invitae indicates that this missense variant is not expected to disrupt PGAP1 protein function. In summary, the available evidence is currently insufficient to determine the role of this variant in disease. Therefore, it has been classified as a Variant of Uncertain Significance.

NM_024989.4(PGAP1):c.1706C>T (p.Thr569Met)

Gene: PGAP1 (post-GPI attachment to proteins inositol deacylase 1; minus strand). Cytogenetic location: 2q33.1.
Variant type: single nucleotide variant.
Coding change: c.1706C>T on transcript NM_024989.4 (MANE Select); coding-DNA position 1706, C replaced by T.
Protein change: p.Thr569Met; replaces threonine 569 with methionine.
Molecular consequence: missense variant.
Genome position (GRCh38, 1-based): chr2:196,872,463, G>A on the plus strand (C>T on the coding strand, the complement: PGAP1 is on the minus strand). VCF-style: chr2-196872463-G-A. GRCh37 (hg19) VCF-style: chr2-197737187-G-A.
Other names: c.1184C>T, p.Thr395Met (NM_001321099.2); c.539C>T, p.Thr180Met (NM_001321100.2); c.1706C>T (NM_024989.3); short protein forms T569M, T395M, T180M.
Identifiers: ClinVar variation 1936505 (VCV001936505.4), dbSNP rs762049431, ClinGen allele CA2040838.